The following is an entry in ClinVar:

ClinVar aggregate classification (germline): Uncertain significance (1 of 4 stars; one submission).

Conditions:
Inborn genetic diseases. Identifiers: MedGen C0950123, MeSH D030342.

Allele frequency attached by ClinVar (database versions not stated): TOPMed 0.00001.

Submission:

Ambry Genetics
Classification: Uncertain significance for Inborn genetic diseases. Last evaluated: 2024-03-19. Review status: criteria provided, single submitter. Criteria: Ambry Variant Classification Scheme 2023. Collection method: clinical testing. Allele origin: germline.
Comment: The p.Q1960L variant (also known as c.5879A>T), located in coding exon 40 of the LRRK2 gene, results from an A to T substitution at nucleotide position 5879. The glutamine at codon 1960 is replaced by leucine, an amino acid with dissimilar properties. This amino acid position is conserved. In addition, this alteration is predicted to be tolerated by in silico analysis. Since supporting evidence is limited at this time, the clinical significance of this alteration remains unclear.

NM_198578.4(LRRK2):c.5879A>T (p.Gln1960Leu)

Gene: LRRK2 (leucine rich repeat kinase 2; plus strand). Cytogenetic location: 12q12.
Variant type: single nucleotide variant.
Coding change: c.5879A>T on transcript NM_198578.4 (MANE Select); coding-DNA position 5879, A replaced by T.
Protein change: p.Gln1960Leu; replaces glutamine 1960 with leucine.
Molecular consequence: missense variant.
Genome position (GRCh38, 1-based): chr12:40,335,088, A>T. VCF-style: chr12-40335088-A-T. GRCh37 (hg19) VCF-style: chr12-40728890-A-T.
Other names: short protein forms Q1960L.
Identifiers: ClinVar variation 1750232 (VCV001750232.2), dbSNP rs893392081, ClinGen allele CA235329626.